The following is an entry in ClinVar:

NM_002386.4(MC1R):c.951G>T (p.Trp317Cys)

Gene: MC1R (melanocortin 1 receptor; plus strand). Cytogenetic location: 16q24.3.
Variant type: single nucleotide variant.
Coding change: c.951G>T on transcript NM_002386.4 (MANE Select); coding-DNA position 951, G replaced by T.
Protein change: p.Trp317Cys; replaces tryptophan 317 with cysteine.
Molecular consequence: missense variant.
Genome position (GRCh38, 1-based): chr16:89,920,209, G>T. VCF-style: chr16-89920209-G-T. GRCh37 (hg19) VCF-style: chr16-89986617-G-T.
Other names: short protein forms W317C.
Identifiers: ClinVar variation 885782 (VCV000885782.7), dbSNP rs765813858, ClinGen allele CA8255825.

ClinVar aggregate classification (germline): Uncertain significance. Review status: criteria provided, multiple submitters, no conflicts (2 of 4 stars). 2 submissions from 2 submitters: Uncertain significance (2). Last evaluated 2023-10-18.

Conditions:
Melanoma, cutaneous malignant, susceptibility to, 5. Also called: Cutaneous malignant melanoma 5. Identifiers: Orphanet 618, MedGen C2751295, MONDO:0013133, OMIM 613099.

Allele frequency attached by ClinVar (database versions not stated): gnomAD 0.00001; gnomAD exomes 0.00001 and 0.00002; ExAC 0.00002.
gnomAD v4.1: 14 of 1,612,148 alleles (0.00087%); highest among the groups gnomAD compares: Admixed American, 0.0017%; no homozygotes.

Submissions (2):

Labcorp Genetics (formerly Invitae), Labcorp
Classification: Uncertain significance for Melanoma, cutaneous malignant, susceptibility to, 5. Last evaluated: 2023-10-18. Review status: criteria provided, single submitter. Criteria: Invitae Variant Classification Sherloc (09022015). Collection method: clinical testing. Allele origin: germline.
Comment: This sequence change replaces tryptophan, which is neutral and slightly polar, with cysteine, which is neutral and slightly polar, at codon 317 of the MC1R protein (p.Trp317Cys). This variant is present in population databases (rs765813858, gnomAD 0.003%). This variant has not been reported in the literature in individuals affected with MC1R-related conditions. An algorithm developed to predict the effect of missense changes on protein structure and function (PolyPhen-2) suggests that this variant is likely to be disruptive. Algorithms developed to predict the effect of sequence changes on RNA splicing suggest that this variant may disrupt the consensus splice site. In summary, the available evidence is currently insufficient to determine the role of this variant in disease. Therefore, it has been classified as a Variant of Uncertain Significance.

Illumina Laboratory Services, Illumina
Classification: Uncertain significance for Melanoma, cutaneous malignant, susceptibility to, 5. Last evaluated: 2017-04-28. Review status: criteria provided, single submitter. Criteria: ICSL Variant Classification Criteria 13 December 2019. Collection method: clinical testing. Allele origin: germline.
Comment: This variant was observed as part of a predisposition screen in an ostensibly healthy population. A literature search was performed for the gene, cDNA change, and amino acid change (where applicable). Publications were found based on this search. However, the evidence from the literature, in combination with allele frequency data from public databases where available, was not sufficient to rule this variant in or out of causing disease. Therefore, this variant is classified as a variant of unknown significance.

Literature cited by the submitters: PubMed 24045876 (cited by Illumina Laboratory Services, Illumina).